The following is an entry in ClinVar:

ClinVar aggregate classification (germline): Uncertain significance (1 of 4 stars; one submission).

Conditions:
Hereditary cancer-predisposing syndrome. Also called: Neoplastic Syndromes, Hereditary; Tumor predisposition; Hereditary neoplastic syndrome; Hereditary Cancer Syndrome. Identifiers: Orphanet 140162, MedGen C0027672, MeSH D009386, MONDO:0015356.

Submission:

Ambry Genetics
Classification: Uncertain significance for Hereditary cancer-predisposing syndrome. Last evaluated: 2026-07-07. Review status: criteria provided, single submitter. Criteria: Ambry Variant Classification Scheme 2023. Collection method: clinical testing. Allele origin: germline.
Comment: The p.F96L variant (also known as c.288T>A), located in coding exon 5 of the SDHC gene, results from a T to A substitution at nucleotide position 288. The phenylalanine at codon 96 is replaced by leucine, an amino acid with highly similar properties. This amino acid position is conserved. In addition, this alteration is predicted to be deleterious by in silico analysis. Based on the available evidence, the clinical significance of this variant remains unclear.

NM_003001.5(SDHC):c.288T>A (p.Phe96Leu)

Gene: SDHC (succinate dehydrogenase complex subunit C; plus strand). Cytogenetic location: 1q23.3.
Variant type: single nucleotide variant.
Coding change: c.288T>A on transcript NM_003001.5 (MANE Select); coding-DNA position 288, T replaced by A.
Protein change: p.Phe96Leu; replaces phenylalanine 96 with leucine.
Molecular consequence: missense variant. On other transcripts: intron variant (3), non-coding transcript variant (1).
Genome position (GRCh38, 1-based): chr1:161,356,723, T>A. VCF-style: chr1-161356723-T-A. GRCh37 (hg19) VCF-style: chr1-161326513-T-A.
Other names: c.186T>A, p.Phe62Leu (NM_001035512.3); c.129T>A, p.Phe43Leu (NM_001035513.3); c.408T>A, p.Phe136Leu (NM_001407115.1); c.231T>A, p.Phe77Leu (NM_001407116.1); c.225T>A, p.Phe75Leu (NM_001407117.1); c.242-5606T>A (NM_001035511.3); c.140-5606T>A (NM_001278172.3); c.185-5606T>A (NM_001407121.1); and 2 more; short protein forms F43L, F59L, F62L, F136L, F75L, F77L, F60L, F96L.
Identifiers: ClinVar variation 5029325 (VCV005029325.1).